The following is an entry in ClinVar:

NM_001940.4(ATN1):c.283G>C (p.Glu95Gln)

Gene: ATN1 (atrophin 1; plus strand). Cytogenetic location: 12p13.31.
Variant type: single nucleotide variant.
Coding change: c.283G>C on transcript NM_001940.4 (MANE Select); coding-DNA position 283, G replaced by C.
Protein change: p.Glu95Gln; replaces glutamic acid 95 with glutamine.
Molecular consequence: missense variant.
Genome position (GRCh38, 1-based): chr12:6,935,550, G>C. VCF-style: chr12-6935550-G-C. GRCh37 (hg19) VCF-style: chr12-7044713-G-C.
Other names: c.283G>C, p.Glu95Gln (NM_001007026.2, NM_001424176.1, NM_001424177.1 and 1 more transcripts); c.280G>C, p.Glu94Gln (NM_001424179.1, NM_001424180.1); short protein forms E94Q, E95Q.
Identifiers: ClinVar variation 5038768 (VCV005038768.1).
Genomic context (GRCh38, chr12:6,935,550, plus strand): 5'-AAATCTCAGGGAAGCAGGAAAGGAAAAGAGAAAAAATGAGTCTTCCCTTTTCTACAGCAG[G>C]AACTCCCTCGGCCACAGTCTCCCTCCGATCTGGATAGCTTGGACGGGCGGAGCCTTAATG-3'
Protein context (NP_001931.2, residues 85-105): NAPKKTKTEQ[Glu95Gln]LPRPQSPSDL

ClinVar aggregate classification (germline): Likely benign (1 of 4 stars; one submission).

Submission:

CeGaT Center for Human Genetics Tuebingen
Classification: Likely benign. Last evaluated: 2026-08-01. Review status: criteria provided, single submitter. Criteria: CeGaT Center For Human Genetics Tuebingen Variant Classification Criteria Version 2. Collection method: clinical testing. Allele origin: germline. Affected: yes. Observed: 1 variant allele.
Comment: ATN1: BS1